The following is an entry in ClinVar:

ClinVar aggregate classification (germline): Pathogenic (1 of 4 stars; one submission).

Conditions:
Fanconi anemia (FA). Also called: Fanconi's anemia. Identifiers: Orphanet 84, MedGen C0015625, MeSH D005199, MONDO:0019391.

Submission:

Labcorp Genetics (formerly Invitae), Labcorp
Classification: Pathogenic for Fanconi anemia. Last evaluated: 2025-04-23. Review status: criteria provided, single submitter. Criteria: Invitae Variant Classification Sherloc (09022015). Collection method: clinical testing. Allele origin: germline.
Comment: This sequence change creates a premature translational stop signal (p.Val295*) in the FANCA gene. It is expected to result in an absent or disrupted protein product. Loss-of-function variants in FANCA are known to be pathogenic (PMID: 19367192). This variant is not present in population databases (gnomAD no frequency). This variant has not been reported in the literature in individuals affected with FANCA-related conditions. Algorithms developed to predict the effect of sequence changes on RNA splicing suggest that this variant may disrupt the consensus splice site. For these reasons, this variant has been classified as Pathogenic.

Literature cited by the submitters: PubMed 19367192.

NM_000135.4(FANCA):c.883del (p.Ile294_Val295insTer)

Gene: FANCA (FA complementation group A; minus strand). Cytogenetic location: 16q24.3.
Variant type: Deletion.
Coding change: c.883del on transcript NM_000135.4 (MANE Select); coding-DNA position 883, one base deleted (G; older notation c.883delG).
Protein change: p.Ile294_Val295insTer.
Molecular consequence: nonsense.
Genome position (GRCh38, 1-based): chr16:89,799,176, C deleted on the plus strand (G on the coding strand, the reverse complement: FANCA is on the minus strand). VCF-style (leftmost placement, unchanged base first): chr16-89799175-AC-A. GRCh37 (hg19) VCF-style: chr16-89865583-AC-A.
Other names: c.883del, p.Ile294_Val295insTer (NM_001018112.3, NM_001286167.3); c.787del, p.Ile262_Val263insTer (NM_001351830.2).
Identifiers: ClinVar variation 4712550 (VCV004712550.1).